The following is an entry in ClinVar:

NM_015570.4(AUTS2):c.661-4del

Gene: AUTS2 (activator of transcription and developmental regulator AUTS2; plus strand). Cytogenetic location: 7q11.22.
Variant type: Deletion.
Coding change: c.661-4del on transcript NM_015570.4 (MANE Select); 4 bases into the intron before coding-DNA position 661, one base deleted (T; older notation c.661-4delT).
Molecular consequence: intron variant.
Genome position (GRCh38, 1-based): chr7:70,435,748, T deleted; the last of 4 consecutive T bases (chr7:70,435,745-70,435,748); deleting any one gives the same sequence. VCF-style (leftmost placement, unchanged base first): chr7-70435744-AT-A. GRCh37 (hg19) VCF-style: chr7-69900730-AT-A.
Other names: c.661-4del (NM_001127231.3); c.661-4delT (NM_015570.2).
Identifiers: ClinVar variation 510789 (VCV000510789.5), dbSNP rs1189205999, ClinGen allele CA575417382.
Genomic context (GRCh38, chr7:70,435,744, plus strand): 5'-GGAGGCATCAAAAGCAAAAACATACTCAGTTCTTGCACTAACCCTTATTCTCTTGTCTTC[AT>A]TTTCAGTGTGACAGTGACAGTGACCAGGAAGAGAAGGTAAGACCCCCCCTCCCCCATTGT-3'

ClinVar aggregate classification (germline): Benign/Likely benign. Review status: criteria provided, multiple submitters, no conflicts (2 of 4 stars). 2 submissions from 2 submitters: Benign (1); Likely benign (1). Last evaluated 2025-02-10.

Submissions (2):

Labcorp Genetics (formerly Invitae), Labcorp
Classification: Benign. Last evaluated: 2025-02-10. Review status: criteria provided, single submitter. Criteria: Invitae Variant Classification Sherloc (09022015). Collection method: clinical testing. Allele origin: germline.

GeneDx
Classification: Likely benign. Last evaluated: 2017-07-27. Review status: criteria provided, single submitter. Criteria: GeneDx Variant Classification (06012015). Collection method: clinical testing. Allele origin: germline. Affected: yes.
Comment: This variant is considered likely benign or benign based on one or more of the following criteria: it is a conservative change, it occurs at a poorly conserved position in the protein, it is predicted to be benign by multiple in silico algorithms, and/or has population frequency not consistent with disease.